The following is an entry in ClinVar:

ClinVar aggregate classification (germline): Uncertain significance. Review status: criteria provided, multiple submitters, no conflicts (2 of 4 stars). 3 submissions from 3 submitters: Uncertain significance (3). Last evaluated 2024-10-26.

Conditions:
Inborn genetic diseases. Identifiers: MedGen C0950123, MeSH D030342.

Allele frequency attached by ClinVar (database versions not stated): ExAC 0.00004; gnomAD exomes 0.00006; gnomAD 0.00007; TOPMed 0.00009; ESP Exome Variant Server 0.00023.
gnomAD v4.1: 147 of 1,613,678 alleles (0.0091%); highest among the groups gnomAD compares: Non-Finnish European, 0.011%; no homozygotes.

Submissions (3):

Labcorp Genetics (formerly Invitae), Labcorp
Classification: Uncertain significance. Last evaluated: 2024-10-26. Review status: criteria provided, single submitter. Criteria: Invitae Variant Classification Sherloc (09022015). Collection method: clinical testing. Allele origin: germline.
Comment: This sequence change replaces valine, which is neutral and non-polar, with isoleucine, which is neutral and non-polar, at codon 616 of the GRM6 protein (p.Val616Ile). This variant is present in population databases (rs151156480, gnomAD 0.01%). This variant has not been reported in the literature in individuals affected with GRM6-related conditions. ClinVar contains an entry for this variant (Variation ID: 971141). Invitae Evidence Modeling of protein sequence and biophysical properties (such as structural, functional, and spatial information, amino acid conservation, physicochemical variation, residue mobility, and thermodynamic stability) indicates that this missense variant is not expected to disrupt GRM6 protein function with a negative predictive value of 95%. In summary, the available evidence is currently insufficient to determine the role of this variant in disease. Therefore, it has been classified as a Variant of Uncertain Significance.

Blueprint Genetics
Classification: Uncertain significance. Last evaluated: 2024-03-09. Review status: criteria provided, single submitter. Criteria: ACMG Guidelines, 2015. Collection method: clinical testing. Allele origin: germline.

Ambry Genetics
Classification: Uncertain significance for Inborn genetic diseases. Last evaluated: 2021-09-28. Review status: criteria provided, single submitter. Criteria: Ambry Variant Classification Scheme 2023. Collection method: clinical testing. Allele origin: germline.

NM_000843.4(GRM6):c.1846G>A (p.Val616Ile)

Genes: GRM6 (glutamate metabotropic receptor 6; minus strand), ZNF454 (zinc finger protein 454; plus strand). Cytogenetic location: 5q35.3.
Variant type: single nucleotide variant.
Coding change: c.1846G>A on transcript NM_000843.4 (MANE Select); coding-DNA position 1846, G replaced by A.
Protein change: p.Val616Ile; replaces valine 616 with isoleucine.
Molecular consequence: missense variant.
Genome position (GRCh38, 1-based): chr5:178,986,408, C>T on the plus strand (G>A on the coding strand, the complement: GRM6 is on the minus strand). VCF-style: chr5-178986408-C-T. GRCh37 (hg19) VCF-style: chr5-178413409-C-T.
Other names: short protein forms V616I.
Identifiers: ClinVar variation 971141 (VCV000971141.10), dbSNP rs151156480, ClinGen allele CA3593909.